The following is an entry in ClinVar:

NM_000313.4(PROS1):c.234+1G>A

Gene: PROS1 (protein S; minus strand). Cytogenetic location: 3q11.1.
Variant type: single nucleotide variant.
Coding change: c.234+1G>A on transcript NM_000313.4 (MANE Select); the canonical splice donor site of the intron after coding-DNA position 234, G replaced by A.
Molecular consequence: splice donor variant.
Genome position (GRCh38, 1-based): chr3:93,927,249, C>T on the plus strand (G>A on the coding strand, the complement: PROS1 is on the minus strand). VCF-style: chr3-93927249-C-T. GRCh37 (hg19) VCF-style: chr3-93646093-C-T.
Other names: c.330+1G>A (NM_001314077.2).
Identifiers: ClinVar variation 5006706 (VCV005006706.2).

ClinVar aggregate classification (germline): Likely pathogenic (1 of 4 stars; one submission).

Conditions:
Thrombophilia due to protein S deficiency, autosomal recessive (THPH6). Identifiers: Orphanet 743, MedGen C3281092, MONDO:0013791, OMIM 614514. Disease mechanism: loss of function.
Thrombophilia due to protein S deficiency, autosomal dominant (THPH5). Identifiers: Orphanet 26349, Orphanet 743, MedGen C3278211, MONDO:0012868, OMIM 612336. Disease mechanism: loss of function.

Submission:

Juno Genomics, Hangzhou Juno Genomics, Inc
Classification: Likely pathogenic for Thrombophilia due to protein S deficiency, autosomal dominant; Thrombophilia due to protein S deficiency, autosomal recessive. Review status: criteria provided, single submitter. Criteria: ACMG Guidelines, 2015. Collection method: clinical testing. Allele origin: germline.
Comment: Null variant in a gene where loss of function (LOF) is a known mechanism of disease.;Absent from controls (or at extremely low frequency if recessive) in Genome Aggregation Database.